The following is an entry in ClinVar:

ClinVar aggregate classification (germline): Uncertain significance (1 of 4 stars; one submission).

Conditions:
BAP1-related tumor predisposition syndrome (TPDS1). Also called: Tumor susceptibility linked to germline BAP1 mutations; BAP1 tumor predisposition syndrome; COMMON Syndrome; TUMOR PREDISPOSITION SYNDROME 1. Identifiers: Orphanet 289539, MedGen C3280492, MONDO:0013692, OMIM 614327.

Submission:

Labcorp Genetics (formerly Invitae), Labcorp
Classification: Uncertain significance for BAP1-related tumor predisposition syndrome. Last evaluated: 2021-12-04. Review status: criteria provided, single submitter. Criteria: Invitae Variant Classification Sherloc (09022015). Collection method: clinical testing. Allele origin: germline.
Comment: In summary, the available evidence is currently insufficient to determine the role of this variant in disease. Therefore, it has been classified as a Variant of Uncertain Significance. Algorithms developed to predict the effect of missense changes on protein structure and function are either unavailable or do not agree on the potential impact of this missense change (SIFT: "Deleterious"; PolyPhen-2: "Possibly Damaging"; Align-GVGD: "Class C0"). This variant has not been reported in the literature in individuals affected with BAP1-related conditions. This variant is not present in population databases (gnomAD no frequency). This sequence change replaces aspartic acid, which is acidic and polar, with asparagine, which is neutral and polar, at codon 552 of the BAP1 protein (p.Asp552Asn).

NM_004656.4(BAP1):c.1654G>A (p.Asp552Asn)

Gene: BAP1 (BRCA1 associated deubiquitinase 1; minus strand). Cytogenetic location: 3p21.1.
Variant type: single nucleotide variant.
Coding change: c.1654G>A on transcript NM_004656.4 (MANE Select); coding-DNA position 1654, G replaced by A.
Protein change: p.Asp552Asn; replaces aspartic acid 552 with asparagine.
Molecular consequence: missense variant.
Genome position (GRCh38, 1-based): chr3:52,403,491, C>T on the plus strand (G>A on the coding strand, the complement: BAP1 is on the minus strand). VCF-style: chr3-52403491-C-T. GRCh37 (hg19) VCF-style: chr3-52437507-C-T.
Other names: short protein forms D552N.
Identifiers: ClinVar variation 1468345 (VCV001468345.6), dbSNP rs2153226613, ClinGen allele CA353100084.